The following is an entry in ClinVar:

ClinVar aggregate classification (germline): Pathogenic. Review status: criteria provided, multiple submitters, no conflicts (2 of 4 stars). 2 submissions from 2 submitters: Pathogenic (2). Last evaluated 2022-05-06.

Conditions:
Telangiectasia, hereditary hemorrhagic, type 1 (HHT1). Also called: Osler Weber Rendu syndrome type 1; ENG-Related Hereditary Hemorrhagic Telangiectasia. Identifiers: Orphanet 774, MedGen C4551861, MONDO:0008535, OMIM 187300. Disease mechanism: loss of function.

Submissions (2):

ARUP Laboratories, Molecular Genetics and Genomics, ARUP Laboratories
Classification: Pathogenic for Telangiectasia, hereditary hemorrhagic, type 1. Last evaluated: 2022-05-06. Review status: criteria provided, single submitter. Criteria: ARUP Molecular Germline Variant Investigation Process 2021. Collection method: clinical testing. Allele origin: germline.
Comment: The ENG c.1686+1G>T variant, to our knowledge, is not reported in the medical literature but is reported in ClinVar (Variation ID: 1343355). This variant is absent from the Genome Aggregation Database, indicating it is not a common polymorphism. This variant disrupts the canonical splice donor site of intron 12, which is likely to negatively impact gene function. A different variant at this splice site (c.1686+1G>A) has been reported in a cohort of families with HHT (Heimdal 2016). Based on available information, the c.1686+1G>T variant is considered to be pathogenic. References: Heimdal K et al. Mutation analysis in Norwegian families with hereditary hemorrhagic telangiectasia: founder mutations in ACVRL1. Clin Genet. 2016 Feb;89(2):182-6. PMID: 25970827.

Mayo Clinic Laboratories, Mayo Clinic
Classification: Pathogenic. Last evaluated: 2021-12-28. Review status: criteria provided, single submitter. Criteria: ACMG Guidelines, 2015. Collection method: clinical testing. Allele origin: germline.
Comment: PP3, PM2, PVS1

NM_001114753.3(ENG):c.1686+1G>T

Genes: ENG (endoglin; minus strand), LOC102723566 (uncharacterized LOC102723566; plus strand). Cytogenetic location: 9q34.11.
Variant type: single nucleotide variant.
Coding change: c.1686+1G>T on transcript NM_001114753.3 (MANE Select); the canonical splice donor site of the intron after coding-DNA position 1686, G replaced by T.
Molecular consequence: splice donor variant.
Genome position (GRCh38, 1-based): chr9:127,818,119, C>A on the plus strand (G>T on the coding strand, the complement: ENG is on the minus strand). VCF-style: chr9-127818119-C-A. GRCh37 (hg19) VCF-style: chr9-130580398-C-A.
Other names: c.1686+1G>T (NM_000118.4); c.1140+1G>T (NM_001278138.2).
Identifiers: ClinVar variation 1343355 (VCV001343355.8), dbSNP rs1554809228, ClinGen allele CA374973964.